The following is an entry in ClinVar:

NM_000387.6(SLC25A20):c.528del (p.Met177fs)

Gene: SLC25A20 (solute carrier family 25 member 20; minus strand). Cytogenetic location: 3p21.31.
Variant type: Deletion.
Coding change: c.528del on transcript NM_000387.6 (MANE Select); coding-DNA position 528, one base deleted (T; older notation c.528delT).
Protein change: p.Met177fs; shifts the reading frame from methionine 177.
Molecular consequence: frameshift variant.
Genome position (GRCh38, 1-based): chr3:48,862,549, A deleted on the plus strand (T on the coding strand, the reverse complement: SLC25A20 is on the minus strand); the first of 2 consecutive A bases (chr3:48,862,549-48,862,550); deleting either gives the same sequence. VCF-style (leftmost placement, unchanged base first): chr3-48862548-TA-T. GRCh37 (hg19) VCF-style: chr3-48899981-TA-T.
Other names: short protein forms M177fs.
Identifiers: ClinVar variation 1301321 (VCV001301321.6), dbSNP rs997204610, ClinGen allele CA73982521.

ClinVar aggregate classification (germline): Pathogenic. Review status: criteria provided, multiple submitters, no conflicts (2 of 4 stars). 2 submissions from 2 submitters: Pathogenic (2). Last evaluated 2023-12-01.

Conditions:
Carnitine acylcarnitine translocase deficiency (CACTD). Identifiers: Orphanet 159, MedGen C0342791, MONDO:0008918, OMIM 212138.

Submissions (2):

Labcorp Genetics (formerly Invitae), Labcorp
Classification: Pathogenic for Carnitine acylcarnitine translocase deficiency. Last evaluated: 2023-12-01. Review status: criteria provided, single submitter. Criteria: Invitae Variant Classification Sherloc (09022015). Collection method: clinical testing. Allele origin: germline.
Comment: This sequence change creates a premature translational stop signal (p.Met177Cysfs*12) in the SLC25A20 gene. It is expected to result in an absent or disrupted protein product. Loss-of-function variants in SLC25A20 are known to be pathogenic (PMID: 25614308). This variant is not present in population databases (gnomAD no frequency). This premature translational stop signal has been observed in individual(s) with a positive newborn screening result for SLC25A20-related disease (PMID: 21605995). ClinVar contains an entry for this variant (Variation ID: 1301321). For these reasons, this variant has been classified as Pathogenic.

Women's Health and Genetics/Laboratory Corporation of America, LabCorp
Classification: Pathogenic for Carnitine acylcarnitine translocase deficiency. Last evaluated: 2021-09-06. Review status: criteria provided, single submitter. Criteria: LabCorp Variant Classification Summary - May 2015. Collection method: clinical testing. Allele origin: germline.
Comment: Variant summary: SLC25A20 c.528delT (p.Met177CysfsX12) results in a premature termination codon, predicted to cause a truncation of the encoded protein or absence of the protein due to nonsense mediated decay, which are commonly known mechanisms for disease. Truncations downstream of this position have been classified as pathogenic by our laboratory. The variant was absent in 251424 control chromosomes. c.528delT has been reported in the literature as a compound heterozygous genotype (with c.496C>T, p.R166X) in at-least one comprehensively analyzed individual identified by a positive newborn screen to be affected with Carnitine-Acylcarnitine Translocase Deficiency (example, Wang_2011). This case has been subsequently cited by others (example, Palmieri_2020, Vitoria_2015). To our knowledge, no experimental evidence demonstrating an impact on protein function has been reported. No clinical diagnostic laboratories have submitted clinical-significance assessments for this variant to ClinVar after 2014. Based on the evidence outlined above, the variant was classified as pathogenic.

Literature cited by the submitters: PubMed 25614308 (cited by Labcorp Genetics (formerly Invitae), Labcorp and Women's Health and Genetics/Laboratory Corporation of America, LabCorp); PubMed 21605995 (cited by Labcorp Genetics (formerly Invitae), Labcorp and Women's Health and Genetics/Laboratory Corporation of America, LabCorp); PubMed 32340404 (cited by Women's Health and Genetics/Laboratory Corporation of America, LabCorp).